The following is an entry in ClinVar:

ClinVar aggregate classification (germline): Uncertain significance (1 of 4 stars; one submission).

gnomAD v4.1: 1 of 1,614,088 alleles (0.000062%); highest among the groups gnomAD compares: Non-Finnish European, 0.000085%; no homozygotes.

Submission:

Labcorp Genetics (formerly Invitae), Labcorp
Classification: Uncertain significance. Last evaluated: 2023-04-07. Review status: criteria provided, single submitter. Criteria: Invitae Variant Classification Sherloc (09022015). Collection method: clinical testing. Allele origin: germline.
Comment: In summary, the available evidence is currently insufficient to determine the role of this variant in disease. Therefore, it has been classified as a Variant of Uncertain Significance. Algorithms developed to predict the effect of sequence changes on RNA splicing suggest that this variant may create or strengthen a splice site. An algorithm developed to predict the effect of missense changes on protein structure and function (PolyPhen-2) suggests that this variant is likely to be tolerated. This variant has not been reported in the literature in individuals affected with DLL1-related conditions. This variant is not present in population databases (gnomAD no frequency). This sequence change replaces glycine, which is neutral and non-polar, with alanine, which is neutral and non-polar, at codon 684 of the DLL1 protein (p.Gly684Ala).

NM_005618.4(DLL1):c.2051G>C (p.Gly684Ala)

Genes: DLL1 (delta like canonical Notch ligand 1; minus strand), LOC126859913 (P300/CBP strongly-dependent group 1 enhancer GRCh37_chr6:170591232-170592431; plus strand). Cytogenetic location: 6q27.
Variant type: single nucleotide variant.
Coding change: c.2051G>C on transcript NM_005618.4 (MANE Select); coding-DNA position 2051, G replaced by C.
Protein change: p.Gly684Ala; replaces glycine 684 with alanine.
Molecular consequence: missense variant.
Genome position (GRCh38, 1-based): chr6:170,283,103, C>G on the plus strand (G>C on the coding strand, the complement: DLL1 is on the minus strand). VCF-style: chr6-170283103-C-G. GRCh37 (hg19) VCF-style: chr6-170592191-C-G.
Other names: short protein forms G684A.
Identifiers: ClinVar variation 2992632 (VCV002992632.3), dbSNP rs1278290381, ClinGen allele CA366505986.